The following is an entry in ClinVar:

NM_000020.3(ACVRL1):c.1444G>A (p.Ala482Thr)

Gene: ACVRL1 (activin A receptor like type 1; plus strand). Cytogenetic location: 12q13.13.
Variant type: single nucleotide variant.
Coding change: c.1444G>A on transcript NM_000020.3 (MANE Select); coding-DNA position 1444, G replaced by A.
Protein change: p.Ala482Thr; replaces alanine 482 with threonine.
Molecular consequence: missense variant.
Genome position (GRCh38, 1-based): chr12:51,920,825, G>A. VCF-style: chr12-51920825-G-A. GRCh37 (hg19) VCF-style: chr12-52314609-G-A.
Other names: c.1444G>A, p.Ala482Thr (NM_001077401.2, NM_001406487.1); c.1288G>A, p.Ala430Thr (NM_001406490.1); c.1132G>A, p.Ala378Thr (NM_001406491.1, NM_001406492.1); c.934G>A, p.Ala312Thr (NM_001406494.1); c.880G>A, p.Ala294Thr (NM_001406495.1); short protein forms A312T, A482T, A430T, A294T, A378T.
Identifiers: ClinVar variation 2710032 (VCV002710032.1), dbSNP rs777374619, ClinGen allele CA6573177.

ClinVar aggregate classification (germline): Uncertain significance (1 of 4 stars; one submission).

Conditions:
Telangiectasia, hereditary hemorrhagic, type 2 (HHT2). Also called: Telangiectasia, hereditary hemorrhagic, type II; ACVRL1-Related Hereditary Hemorrhagic Telangiectasia. Identifiers: Orphanet 774, MedGen C1838163, MONDO:0010880, OMIM 600376. Disease mechanism: loss of function.

Allele frequency attached by ClinVar (database versions not stated): ExAC 0.00001; gnomAD 0.00001; gnomAD exomes 0.00001; TOPMed 0.00001.

Submission:

Labcorp Genetics (formerly Invitae), Labcorp
Classification: Uncertain significance for Telangiectasia, hereditary hemorrhagic, type 2. Last evaluated: 2023-12-28. Review status: criteria provided, single submitter. Criteria: Invitae Variant Classification Sherloc (09022015). Collection method: clinical testing. Allele origin: germline.
Comment: This sequence change replaces alanine, which is neutral and non-polar, with threonine, which is neutral and polar, at codon 482 of the ACVRL1 protein (p.Ala482Thr). This variant is present in population databases (rs777374619, gnomAD 0.003%). This variant has not been reported in the literature in individuals affected with ACVRL1-related conditions. Advanced modeling of protein sequence and biophysical properties (such as structural, functional, and spatial information, amino acid conservation, physicochemical variation, residue mobility, and thermodynamic stability) performed at Invitae indicates that this missense variant is expected to disrupt ACVRL1 protein function with a positive predictive value of 95%. In summary, the available evidence is currently insufficient to determine the role of this variant in disease. Therefore, it has been classified as a Variant of Uncertain Significance.